The following is an entry in ClinVar:

NM_001367624.2(ZNF469):c.10050C>G (p.Phe3350Leu)

Genes: ZNF469 (zinc finger protein 469; plus strand), LOC130059719 (ATAC-STARR-seq lymphoblastoid silent region 7848; plus strand). Cytogenetic location: 16q24.2.
Variant type: single nucleotide variant.
Coding change: c.10050C>G on transcript NM_001367624.2 (MANE Select); coding-DNA position 10050, C replaced by G.
Protein change: p.Phe3350Leu; replaces phenylalanine 3350 with leucine.
Molecular consequence: missense variant.
Genome position (GRCh38, 1-based): chr16:88,437,520, C>G. VCF-style: chr16-88437520-C-G. GRCh37 (hg19) VCF-style: chr16-88503928-C-G.
Other names: NM_001127464.1:c.9966C>G; short protein forms F3350L.
Identifiers: ClinVar variation 3381419 (VCV003381419.1).

ClinVar aggregate classification (germline): Uncertain significance (1 of 4 stars; one submission).

Submission:

GeneDx
Classification: Uncertain significance. Last evaluated: 2024-05-20. Review status: criteria provided, single submitter. Criteria: GeneDx Variant Classification Process June 2021. Collection method: clinical testing. Allele origin: germline. Affected: yes.
Comment: Not observed at significant frequency in large population cohorts (gnomAD); In silico analysis supports that this missense variant has a deleterious effect on protein structure/function; Has not been previously published as pathogenic or benign to our knowledge